The following is an entry in ClinVar:

NM_001042492.3(NF1):c.4192_4193dup (p.Gln1399fs)

Gene: NF1 (neurofibromin 1; plus strand). Cytogenetic location: 17q11.2.
Variant type: Duplication.
Coding change: c.4192_4193dup on transcript NM_001042492.3 (MANE Select); coding-DNA positions 4192 to 4193, 2 bases duplicated (CC; older notation c.4192_4193dupCC).
Protein change: p.Gln1399fs; shifts the reading frame from glutamine 1399.
Molecular consequence: frameshift variant.
Genome position (GRCh38, 1-based): chr17:31,258,362-31,258,363, CC duplicated; duplicating any 2 consecutive bases within chr17:31,258,361-31,258,363 gives the same sequence; the c. name uses the placement nearest the transcript's 3' end. VCF-style (leftmost placement, unchanged base first): chr17-31258360-T-TCC. GRCh37 (hg19) VCF-style: chr17-29585378-T-TCC.
Other names: c.4129_4130dupCC (NM_000267.3); c.4129_4130dup, p.Gln1378Leufs (NM_000267.4); short protein forms Q1378fs, Q1399fs.
Identifiers: ClinVar variation 3237767 (VCV003237767.1), dbSNP rs2067620512.

ClinVar aggregate classification (germline): Pathogenic (1 of 4 stars; one submission).

Conditions:
Hereditary cancer-predisposing syndrome. Also called: Neoplastic Syndromes, Hereditary; Tumor predisposition; Hereditary neoplastic syndrome; Hereditary Cancer Syndrome. Identifiers: Orphanet 140162, MedGen C0027672, MeSH D009386, MONDO:0015356.
Cardiovascular phenotype. Identifiers: MedGen CN230736.

Submission:

Ambry Genetics
Classification: Pathogenic for Cardiovascular phenotype; Hereditary cancer-predisposing syndrome. Last evaluated: 2023-09-29. Review status: criteria provided, single submitter. Criteria: Ambry Variant Classification Scheme 2023. Collection method: clinical testing. Allele origin: germline.
Comment: The c.4129_4130dupCC pathogenic mutation, located in coding exon 31 of the NF1 gene, results from a duplication of CC at nucleotide position 4129, causing a translational frameshift with a predicted alternate stop codon (p.Q1378Lfs*8). This variant is considered to be rare based on population cohorts in the Genome Aggregation Database (gnomAD). This alteration is expected to result in loss of function by premature protein truncation or nonsense-mediated mRNA decay. As such, this alteration is interpreted as a disease-causing mutation.